The following is an entry in ClinVar:

NM_020812.4(DOCK6):c.512A>G (p.Asp171Gly)

Gene: DOCK6 (dedicator of cytokinesis 6; minus strand). Cytogenetic location: 19p13.2.
Variant type: single nucleotide variant.
Coding change: c.512A>G on transcript NM_020812.4 (MANE Select); coding-DNA position 512, A replaced by G.
Protein change: p.Asp171Gly; replaces aspartic acid 171 with glycine.
Molecular consequence: missense variant.
Genome position (GRCh38, 1-based): chr19:11,251,082, T>C on the plus strand (A>G on the coding strand, the complement: DOCK6 is on the minus strand). VCF-style: chr19-11251082-T-C. GRCh37 (hg19) VCF-style: chr19-11361758-T-C.
Other names: c.512A>G, p.Asp171Gly (NM_001367830.1); short protein forms D171G.
Identifiers: ClinVar variation 1491695 (VCV001491695.6), dbSNP rs2080111296, ClinGen allele CA404117373.
Genomic context (GRCh38, chr19:11,251,082, plus strand): 5'-ATGCTAGAGGCACCACTGCTTCGAGGGGTGTCTTCCGGGGAGCCCGAGCCACGCCGGGAG[T>C]CATTCTGCCAGTGGAGAATGTGCAAGCACTGAGTGCCAGCTGTATACACCTTCACCTCAC-3'
Protein context (NP_065863.2, residues 161-181): DERSGPEDSN[Asp171Gly]SRRGSGSPED

ClinVar aggregate classification (germline): Uncertain significance (1 of 4 stars; one submission).

Allele frequency attached by ClinVar (database versions not stated): TOPMed below 0.00001; gnomAD 0.00001.
gnomAD v4.1: 1 of 1,609,546 alleles (0.000062%); highest among the groups gnomAD compares: Admixed American, 0.0017%; no homozygotes.

Submission:

Labcorp Genetics (formerly Invitae), Labcorp
Classification: Uncertain significance. Last evaluated: 2021-12-02. Review status: criteria provided, single submitter. Criteria: Invitae Variant Classification Sherloc (09022015). Collection method: clinical testing. Allele origin: germline.
Comment: In summary, the available evidence is currently insufficient to determine the role of this variant in disease. Therefore, it has been classified as a Variant of Uncertain Significance. Algorithms developed to predict the effect of missense changes on protein structure and function (SIFT, PolyPhen-2, Align-GVGD) all suggest that this variant is likely to be tolerated. This sequence change replaces aspartic acid, which is acidic and polar, with glycine, which is neutral and non-polar, at codon 171 of the DOCK6 protein (p.Asp171Gly). This variant is not present in population databases (gnomAD no frequency). This variant has not been reported in the literature in individuals affected with DOCK6-related conditions.